The following is an entry in ClinVar:

ClinVar aggregate classification (germline): Uncertain significance (1 of 4 stars; one submission).

gnomAD v4.1: 11 of 1,220,340 alleles (0.0009%); highest among the groups gnomAD compares: Non-Finnish European, 0.0011%; no homozygotes.

Submission:

Women's Health and Genetics/Laboratory Corporation of America, LabCorp
Classification: Uncertain significance. Last evaluated: 2026-01-28. Review status: criteria provided, single submitter. Criteria: LabCorp Variant Classification Summary - May 2015. Collection method: clinical testing. Allele origin: germline.
Comment: Variant summary: VWA1 c.32T>G (p.Leu11Arg) results in a non-conservative amino acid change in the encoded protein sequence. Algorithms developed to predict the effect of missense changes on protein structure and function are either unavailable or do not agree on the potential impact of this missense change. The variant was absent in 22074 control chromosomes. The available data on variant occurrences in the general population are insufficient to allow any conclusion about variant significance. To our knowledge, no occurrence of c.32T>G in individuals affected with VWA1-related conditions and no experimental evidence demonstrating its impact on protein function have been reported. No submitters have cited clinical-significance assessments for this variant to ClinVar. Based on the evidence outlined above, the variant was classified as uncertain significance.

NM_022834.5(VWA1):c.32T>G (p.Leu11Arg)

Gene: VWA1 (von Willebrand factor A domain containing 1; plus strand). Cytogenetic location: 1p36.33.
Variant type: single nucleotide variant.
Coding change: c.32T>G on transcript NM_022834.5 (MANE Select); coding-DNA position 32, T replaced by G.
Protein change: p.Leu11Arg; replaces leucine 11 with arginine.
Molecular consequence: missense variant.
Genome position (GRCh38, 1-based): chr1:1,435,780, T>G. VCF-style: chr1-1435780-T-G. GRCh37 (hg19) VCF-style: chr1-1371160-T-G.
Other names: c.32T>G, p.Leu11Arg (NM_199121.3); short protein forms L11R.
Identifiers: ClinVar variation 4689207 (VCV004689207.1).
Genomic context (GRCh38, chr1:1,435,780, plus strand): 5'-TGCCGAGCGCGCCCCGTCCCTCGCGCGCGATGCTCCCCTGGACGGCGCTCGGCCTGGCCC[T>G]GAGCTTGCGGCTGGCGCTGGCGCGGAGCGGCGCGGAGCGCGGTGAGTGCGGCGGGCGGCC-3'
Protein context (NP_073745.2, residues 1-21): MLPWTALGLA[Leu11Arg]SLRLALARSG